The following is an entry in ClinVar:

NM_001308093.3(GATA4):c.1066A>G (p.Thr356Ala)

Gene: GATA4 (GATA binding protein 4). Cytogenetic location: 8p23.1.
Variant type: single nucleotide variant.
Coding change: c.1066A>G on transcript NM_001308093.3 (MANE Select); coding-DNA position 1066, A replaced by G.
Protein change: p.Thr356Ala; replaces threonine 356 with alanine.
Molecular consequence: missense variant.
Genome position (GRCh38, 1-based): chr8:11,757,000, A>G. VCF-style: chr8-11757000-A-G. GRCh37 (hg19) VCF-style: chr8-11614509-A-G.
Other names: c.445A>G, p.Thr149Ala (NM_001308094.2, NM_001374273.1); c.319A>G, p.Thr107Ala (NM_001374274.1); c.1063A>G, p.Thr355Ala (NM_002052.5); short protein forms T107A, T356A, T355A, T149A.
Identifiers: ClinVar variation 3519017 (VCV003519017.1).

ClinVar aggregate classification (germline): Uncertain significance (1 of 4 stars; one submission).

Conditions:
Cardiovascular phenotype. Identifiers: MedGen CN230736.

gnomAD v4.1: 1 of 1,614,176 alleles (0.000062%); highest among the groups gnomAD compares: Non-Finnish European, 0.000085%; no homozygotes.

Submission:

Ambry Genetics
Classification: Uncertain significance for Cardiovascular phenotype. Last evaluated: 2024-07-25. Review status: criteria provided, single submitter. Criteria: Ambry Variant Classification Scheme 2023. Collection method: clinical testing. Allele origin: germline.
Comment: The p.T355A variant (also known as c.1063A>G), located in coding exon 5 of the GATA4 gene, results from an A to G substitution at nucleotide position 1063. The threonine at codon 355 is replaced by alanine, an amino acid with similar properties. This amino acid position is conserved. In addition, the in silico prediction for this alteration is inconclusive. Based on the available evidence, the clinical significance of this variant remains unclear.